The following is an entry in ClinVar:

ClinVar aggregate classification (germline): Uncertain significance. Review status: criteria provided, multiple submitters, no conflicts (2 of 4 stars). 5 submissions from 5 submitters: Uncertain significance (5). Last evaluated 2026-06-27.

Conditions:
PKD1-related disorder. Also called: PKD1-related condition.
Inborn genetic diseases. Identifiers: MedGen C0950123, MeSH D030342.

Allele frequency attached by ClinVar (database versions not stated): gnomAD 0.00005 and 0.00006; gnomAD exomes 0.00005 and 0.00011; TOPMed 0.00008; ExAC 0.00009; 1000 Genomes Project 0.00020; 1000 Genomes Project 30x 0.00031.

Submissions (5):

PreventionGenetics, part of Exact Sciences
Classification: Uncertain significance for PKD1-related condition. Last evaluated: 2026-06-27. Review status: criteria provided, single submitter. Criteria: ACMG Guidelines, 2015. Collection method: clinical testing. Allele origin: germline.
Comment: The PKD1 c.9625C>T variant is predicted to result in the amino acid substitution p.Arg3209Cys. This variant was reported in the heterozygous state as a variant of uncertain significance (VUS) in an individual with polycystic kidney disease (Table S4, Nigro et al. 2023. PubMed ID: 37372416). This variant is reported in 0.051% of alleles in individuals of Latino descent in gnomAD. Although we suspect that this variant may be benign, at this time, the clinical significance of this variant is uncertain due to the absence of conclusive functional and genetic evidence.

Women's Health and Genetics/Laboratory Corporation of America, LabCorp
Classification: Uncertain significance. Last evaluated: 2026-06-09. Review status: criteria provided, single submitter. Criteria: LabCorp Variant Classification Summary - May 2015. Collection method: clinical testing. Allele origin: germline.
Comment: Variant summary: PKD1 c.9625C>T (p.Arg3209Cys) results in a non-conservative amino acid change in the encoded protein sequence. Algorithms developed to predict the effect of missense changes on protein structure and function are either unavailable or do not agree on the potential impact of this missense change. The variant allele was found at a frequency of 0.00011 in 248124 control chromosomes, predominantly at a frequency of 0.00052 within the Latino subpopulation in the gnomAD database. This frequency is not significantly higher than estimated for disease-causing variants in PKD1, allowing no conclusion about variant significance. c.9625C>T has been observed in individual(s) affected with PKD1-related conditions (Condello_2025, Nigro_2023, Elhassan_2025) without strong evidence for causality. These report(s) do not provide unequivocal conclusions about association of the variant with disease. To our knowledge, no experimental evidence demonstrating an impact on protein function has been reported. The following publications have been ascertained in the context of this evaluation (PMID: 41195291, 39883360, 37372416). ClinVar contains an entry for this variant (Variation ID: 1328704). Based on the evidence outlined above, the variant was classified as uncertain significance.

Ambry Genetics
Classification: Uncertain significance for Inborn genetic diseases. Last evaluated: 2026-02-17. Review status: criteria provided, single submitter. Criteria: Ambry Variant Classification Scheme 2023. Collection method: clinical testing. Allele origin: germline.

GeneDx
Classification: Uncertain significance. Last evaluated: 2021-12-02. Review status: criteria provided, single submitter. Criteria: GeneDx Variant Classification Process June 2021. Collection method: clinical testing. Allele origin: germline. Affected: yes.
Comment: In silico analysis supports that this missense variant has a deleterious effect on protein structure/function; Has not been previously published as pathogenic or benign to our knowledge

Breakthrough Genomics
Classification: Uncertain significance. Review status: criteria provided, single submitter. Criteria: ACMG Guidelines, 2015. Collection method: not provided. Allele origin: germline. Inheritance: Autosomal dominant inheritance. Affected: yes.

Literature cited by the submitters: PubMed 37372416 (cited by Women's Health and Genetics/Laboratory Corporation of America, LabCorp); PubMed 39883360 (cited by Women's Health and Genetics/Laboratory Corporation of America, LabCorp); PubMed 41195291 (cited by Women's Health and Genetics/Laboratory Corporation of America, LabCorp).

NM_001009944.3(PKD1):c.9625C>T (p.Arg3209Cys)

Gene: PKD1 (polycystin 1, transient receptor potential channel interacting; minus strand). Cytogenetic location: 16p13.3.
Variant type: single nucleotide variant.
Coding change: c.9625C>T on transcript NM_001009944.3 (MANE Select); coding-DNA position 9625, C replaced by T.
Protein change: p.Arg3209Cys; replaces arginine 3209 with cysteine.
Molecular consequence: missense variant.
Genome position (GRCh38, 1-based): chr16:2,100,253, G>A on the plus strand (C>T on the coding strand, the complement: PKD1 is on the minus strand). VCF-style: chr16-2100253-G-A. GRCh37 (hg19) VCF-style: chr16-2150254-G-A.
Other names: c.9625C>T (NM_000296.3); c.9625C>T, p.Arg3209Cys (NM_000296.4); short protein forms R3209C.
Identifiers: ClinVar variation 1328704 (VCV001328704.7), dbSNP rs147967021, ClinGen allele CA7829994.